The following is an entry in ClinVar:

NM_020937.4(FANCM):c.5243T>A (p.Phe1748Tyr)

Gene: FANCM (FA complementation group M; plus strand). Cytogenetic location: 14q21.2.
Variant type: single nucleotide variant.
Coding change: c.5243T>A on transcript NM_020937.4 (MANE Select); coding-DNA position 5243, T replaced by A.
Protein change: p.Phe1748Tyr; replaces phenylalanine 1748 with tyrosine.
Molecular consequence: missense variant.
Genome position (GRCh38, 1-based): chr14:45,189,265, T>A. VCF-style: chr14-45189265-T-A. GRCh37 (hg19) VCF-style: chr14-45658468-T-A.
Other names: c.5165T>A, p.Phe1722Tyr (NM_001308133.2); short protein forms F1722Y, F1748Y.
Identifiers: ClinVar variation 4619517 (VCV004619517.1).

ClinVar aggregate classification (germline): Uncertain significance (1 of 4 stars; one submission).

Conditions:
Inborn genetic diseases. Identifiers: MedGen C0950123, MeSH D030342.

Submission:

Ambry Genetics
Classification: Uncertain significance for Inborn genetic diseases. Last evaluated: 2025-10-25. Review status: criteria provided, single submitter. Criteria: Ambry Variant Classification Scheme 2023. Collection method: clinical testing. Allele origin: germline.
Comment: The p.F1748Y variant (also known as c.5243T>A), located in coding exon 20 of the FANCM gene, results from a T to A substitution at nucleotide position 5243. The phenylalanine at codon 1748 is replaced by tyrosine, an amino acid with highly similar properties. This amino acid position is conserved. In addition, this alteration is predicted to be tolerated by in silico analysis. Based on the available evidence, the clinical significance of this variant remains unclear.